The following is an entry in ClinVar:

NM_004304.5(ALK):c.1941T>C (p.Asn647=)

Gene: ALK (ALK receptor tyrosine kinase; minus strand). Cytogenetic location: 2p23.2.
Variant type: single nucleotide variant.
Coding change: c.1941T>C on transcript NM_004304.5 (MANE Select); coding-DNA position 1941, T replaced by C.
Protein change: p.Asn647=; no amino-acid change (asparagine 647 retained).
Molecular consequence: synonymous variant.
Genome position (GRCh38, 1-based): chr2:29,275,199, A>G on the plus strand (T>C on the coding strand, the complement: ALK is on the minus strand). VCF-style: chr2-29275199-A-G. GRCh37 (hg19) VCF-style: chr2-29498065-A-G.
Identifiers: ClinVar variation 1620635 (VCV001620635.16), dbSNP rs777545745, ClinGen allele CA1594478.

ClinVar aggregate classification (germline): Likely benign. Review status: criteria provided, multiple submitters, no conflicts (2 of 4 stars). 3 submissions from 3 submitters: Likely benign (3). Last evaluated 2025-10-01.

Conditions:
Hereditary cancer-predisposing syndrome. Also called: Hereditary Cancer Syndrome; Neoplastic Syndromes, Hereditary; Hereditary neoplastic syndrome; Tumor predisposition. Identifiers: Orphanet 140162, MedGen C0027672, MeSH D009386, MONDO:0015356.
Neuroblastoma, susceptibility to, 3. Also called: ALK-Related Neuroblastic Tumor Susceptibility. Identifiers: Orphanet 635, MedGen C2751681, MONDO:0013083, OMIM 613014.

Allele frequency attached by ClinVar (database versions not stated): gnomAD exomes below 0.00001; TOPMed below 0.00001; ExAC 0.00001; gnomAD 0.00001.
gnomAD v4.1: 2 of 1,614,010 alleles (0.00012%); highest among the groups gnomAD compares: Non-Finnish European, 0.00017%; no homozygotes.

Submissions (3):

CeGaT Center for Human Genetics Tuebingen
Classification: Likely benign. Last evaluated: 2025-10-01. Review status: criteria provided, single submitter. Criteria: CeGaT Center For Human Genetics Tuebingen Variant Classification Criteria Version 2. Collection method: clinical testing. Allele origin: germline. Affected: yes. Observed: 1 variant allele.
Comment: ALK: BP4, BP7

Labcorp Genetics (formerly Invitae), Labcorp
Classification: Likely benign for Neuroblastoma, susceptibility to, 3. Last evaluated: 2025-06-16. Review status: criteria provided, single submitter. Criteria: Invitae Variant Classification Sherloc (09022015). Collection method: clinical testing. Allele origin: germline.

Ambry Genetics
Classification: Likely benign for Hereditary cancer-predisposing syndrome. Last evaluated: 2022-02-17. Review status: criteria provided, single submitter. Criteria: Ambry Variant Classification Scheme 2023. Collection method: clinical testing. Allele origin: germline.